The following is an entry in ClinVar:

ClinVar aggregate classification (germline): Uncertain significance (1 of 4 stars; one submission).

gnomAD v4.1: 8 of 1,614,110 alleles (0.0005%); highest among the groups gnomAD compares: Non-Finnish European, 0.00068%; no homozygotes.

Submission:

Ambry Genetics
Classification: Uncertain significance. Last evaluated: 2026-06-14. Review status: criteria provided, single submitter. Criteria: Ambry Variant Classification Scheme 2023. Collection method: clinical testing. Allele origin: germline.
Comment: The p.S354C variant (also known as c.1061C>G), located in coding exon 4 of the TMPO gene, results from a C to G substitution at nucleotide position 1061. The serine at codon 354 is replaced by cysteine, an amino acid with dissimilar properties. This amino acid position is conserved. In addition, this alteration is predicted to be tolerated by in silico analysis. Based on the available evidence, the clinical significance of this variant remains unclear.

NM_001032283.3(TMPO):c.565+1480C>G

Gene: TMPO (thymopoietin; plus strand). Cytogenetic location: 12q23.1.
Variant type: single nucleotide variant.
Coding change: c.565+1480C>G on transcript NM_001032283.3 (MANE Select); 1480 bases into the intron after coding-DNA position 565, C replaced by G.
Molecular consequence: intron variant. On other transcripts: missense variant (1).
Genome position (GRCh38, 1-based): chr12:98,533,318, C>G. VCF-style: chr12-98533318-C-G. GRCh37 (hg19) VCF-style: chr12-98927096-C-G.
Other names: c.1061C>G, p.Ser354Cys (NM_003276.2); c.565+1480C>G (NM_001307975.2, NM_001032284.3); short protein forms S354C.
Identifiers: ClinVar variation 4865768 (VCV004865768.1).